The following is an entry in ClinVar:

ClinVar aggregate classification (germline): Uncertain significance. Review status: criteria provided, multiple submitters, no conflicts (2 of 4 stars). 3 submissions from 3 submitters: Uncertain significance (3). Last evaluated 2022-09-05.

Conditions:
Cystic fibrosis (CF). Also called: MUCOVISCIDOSIS. Identifiers: Orphanet 586, MedGen C0010674, MONDO:0009061, OMIM 219700. Disease mechanism: loss of function.

Submissions (3):

Institute of Human Genetics, University of Leipzig Medical Center
Classification: Uncertain significance for Cystic fibrosis. Last evaluated: 2022-09-05. Review status: criteria provided, single submitter. Criteria: ACMG Guidelines, 2015. Collection method: curation. Allele origin: unknown. Affected: yes. Observed: 1 variant allele.
Comment: The variant was classified in the context of a project re-classifying variants in the German Cystic Fibrosis Registry (Muko.e.V.). Criteria applied: PM2_SUP, PM5, PP3, PP4

Ambry Genetics
Classification: Uncertain significance for Cystic fibrosis. Last evaluated: 2021-12-16. Review status: criteria provided, single submitter. Criteria: Ambry Variant Classification Scheme 2023. Collection method: clinical testing. Allele origin: germline.
Comment: The p.L1388P variant (also known as c.4163T>C), located in coding exon 26 of the CFTR gene, results from a T to C substitution at nucleotide position 4163. The leucine at codon 1388 is replaced by proline, an amino acid with similar properties. This amino acid position is conserved. In addition, this alteration is predicted to be deleterious by in silico analysis. Since supporting evidence is limited at this time, the clinical significance of this alteration remains unclear.

Labcorp Genetics (formerly Invitae), Labcorp
Classification: Uncertain significance for Cystic fibrosis. Last evaluated: 2021-11-18. Review status: criteria provided, single submitter. Criteria: Invitae Variant Classification Sherloc (09022015). Collection method: clinical testing. Allele origin: germline.
Comment: In summary, the available evidence is currently insufficient to determine the role of this variant in disease. Therefore, it has been classified as a Variant of Uncertain Significance. Algorithms developed to predict the effect of missense changes on protein structure and function are either unavailable or do not agree on the potential impact of this missense change (SIFT: "Deleterious"; PolyPhen-2: "Benign"; Align-GVGD: "Class C65"). This variant has not been reported in the literature in individuals affected with CFTR-related conditions. This variant is not present in population databases (gnomAD no frequency). This sequence change replaces leucine, which is neutral and non-polar, with proline, which is neutral and non-polar, at codon 1388 of the CFTR protein (p.Leu1388Pro).

NM_000492.4(CFTR):c.4163T>C (p.Leu1388Pro)

Gene: CFTR (CF transmembrane conductance regulator; plus strand). Cytogenetic location: 7q31.2.
Variant type: single nucleotide variant.
Coding change: c.4163T>C on transcript NM_000492.4 (MANE Select); coding-DNA position 4163, T replaced by C.
Protein change: p.Leu1388Pro; replaces leucine 1388 with proline.
Molecular consequence: missense variant.
Genome position (GRCh38, 1-based): chr7:117,665,485, T>C. VCF-style: chr7-117665485-T-C. GRCh37 (hg19) VCF-style: chr7-117305539-T-C.
Other names: c.4163T>C (NM_000492.3); short protein forms L1388P.
Identifiers: ClinVar variation 1402955 (VCV001402955.9), dbSNP rs397508688, ClinGen allele CA368983443.